The following is an entry in ClinVar:

NM_001378454.1(ALMS1):c.8758T>C (p.Ser2920Pro)

Gene: ALMS1 (ALMS1 centrosome and basal body associated protein; plus strand). Cytogenetic location: 2p13.1.
Variant type: single nucleotide variant.
Coding change: c.8758T>C on transcript NM_001378454.1 (MANE Select); coding-DNA position 8758, T replaced by C.
Protein change: p.Ser2920Pro; replaces serine 2920 with proline.
Molecular consequence: missense variant.
Genome position (GRCh38, 1-based): chr2:73,490,717, T>C. VCF-style: chr2-73490717-T-C. GRCh37 (hg19) VCF-style: chr2-73717844-T-C.
Other names: c.8761T>C, p.Ser2921Pro (NM_015120.4); short protein forms S2921P, S2920P.
Identifiers: ClinVar variation 1411301 (VCV001411301.5), dbSNP rs1398652795, ClinGen allele CA347270419.

ClinVar aggregate classification (germline): Uncertain significance. Review status: criteria provided, multiple submitters, no conflicts (2 of 4 stars). 2 submissions from 2 submitters: Uncertain significance (2). Last evaluated 2024-01-24.

Conditions:
Alstrom syndrome (ALMS). Identifiers: Orphanet 64, MedGen C0268425, MONDO:0008763, OMIM 203800.
Cardiovascular phenotype. Identifiers: MedGen CN230736.

Allele frequency attached by ClinVar (database versions not stated): gnomAD exomes below 0.00001 and 0.00001; gnomAD 0.00001; TOPMed 0.00001.
gnomAD v4.1: 8 of 1,614,034 alleles (0.0005%); highest among the groups gnomAD compares: Non-Finnish European, 0.00059%; no homozygotes.

Submissions (2):

Ambry Genetics
Classification: Uncertain significance for Cardiovascular phenotype. Last evaluated: 2024-01-24. Review status: criteria provided, single submitter. Criteria: Ambry Variant Classification Scheme 2023. Collection method: clinical testing. Allele origin: germline.
Comment: The p.S2921P variant (also known as c.8761T>C), located in coding exon 10 of the ALMS1 gene, results from a T to C substitution at nucleotide position 8761. The serine at codon 2921 is replaced by proline, an amino acid with similar properties. This amino acid position is poorly conserved in available vertebrate species. In addition, this alteration is predicted to be tolerated by in silico analysis. Based on the available evidence, the clinical significance of this alteration remains unclear.

Labcorp Genetics (formerly Invitae), Labcorp
Classification: Uncertain significance for Alstrom syndrome. Last evaluated: 2022-04-28. Review status: criteria provided, single submitter. Criteria: Invitae Variant Classification Sherloc (09022015). Collection method: clinical testing. Allele origin: germline.
Comment: This variant is present in population databases (no rsID available, gnomAD 0.004%). This sequence change replaces serine, which is neutral and polar, with proline, which is neutral and non-polar, at codon 2921 of the ALMS1 protein (p.Ser2921Pro). This variant has not been reported in the literature in individuals affected with ALMS1-related conditions. Experimental studies and prediction algorithms are not available or were not evaluated, and the functional significance of this variant is currently unknown. In summary, the available evidence is currently insufficient to determine the role of this variant in disease. Therefore, it has been classified as a Variant of Uncertain Significance.